The following is an entry in ClinVar:

NM_002485.5(NBN):c.865T>A (p.Trp289Arg)

Gene: NBN (nibrin; minus strand). Cytogenetic location: 8q21.3.
Variant type: single nucleotide variant.
Coding change: c.865T>A on transcript NM_002485.5 (MANE Select); coding-DNA position 865, T replaced by A.
Protein change: p.Trp289Arg; replaces tryptophan 289 with arginine.
Molecular consequence: missense variant.
Genome position (GRCh38, 1-based): chr8:89,970,395, A>T on the plus strand (T>A on the coding strand, the complement: NBN is on the minus strand). VCF-style: chr8-89970395-A-T. GRCh37 (hg19) VCF-style: chr8-90982623-A-T.
Other names: c.619T>A, p.Trp207Arg (NM_001024688.3); short protein forms W289R, W207R.
Identifiers: ClinVar variation 576338 (VCV000576338.8), dbSNP rs1563559145, ClinGen allele CA371658327.
Genomic context (GRCh38, chr8:89,970,395, plus strand): 5'-TTTTTTACTAATAAAGAATAATTCTATACCTTTGGAGCATATCCATTATTGACTGAATCC[A>T]TTTCTTCTGACAGTCAGGAATTAAGGTCTGTGAGTTTGTTATTCCTGTATCAACAACACA-3'
Protein context (NP_002476.2, residues 279-299): QTLIPDCQKK[Trp289Arg]IQSIMDMLQR

ClinVar aggregate classification (germline): Uncertain significance (1 of 4 stars; one submission).

Conditions:
Microcephaly, normal intelligence and immunodeficiency (NBS). Also called: BERLIN BREAKAGE SYNDROME; SEEMANOVA SYNDROME II; Ataxia telangiectasia variant V1; IMMUNODEFICIENCY, MICROCEPHALY, AND CHROMOSOMAL INSTABILITY; Immunodeficiency, microcephaly with normal intelligence; Nijmegen breakage syndrome. Identifiers: Orphanet 647, MedGen C0398791, MONDO:0009623, OMIM 251260.

Allele frequency attached by ClinVar (database versions not stated): gnomAD exomes below 0.00001.
gnomAD v4.1: 3 of 1,613,706 alleles (0.00019%); highest among the groups gnomAD compares: Non-Finnish European, 0.00025%; no homozygotes.

Submission:

Labcorp Genetics (formerly Invitae), Labcorp
Classification: Uncertain significance for Microcephaly, normal intelligence and immunodeficiency. Last evaluated: 2018-03-12. Review status: criteria provided, single submitter. Criteria: Invitae Variant Classification Sherloc (09022015). Collection method: clinical testing. Allele origin: germline.
Comment: In summary, the available evidence is currently insufficient to determine the role of this variant in disease. Therefore, it has been classified as a Variant of Uncertain Significance. Algorithms developed to predict the effect of missense changes on protein structure and function output the following: SIFT: "Tolerated"; PolyPhen-2: "Benign"; Align-GVGD: "Class C0". The arginine amino acid residue is found in multiple mammalian species, suggesting that this missense change does not adversely affect protein function. These predictions have not been confirmed by published functional studies and their clinical significance is uncertain. This variant has not been reported in the literature in individuals with NBN-related disease. This sequence change replaces tryptophan with arginine at codon 289 of the NBN protein (p.Trp289Arg). The tryptophan residue is moderately conserved and there is a moderate physicochemical difference between tryptophan and arginine. This variant is not present in population databases (ExAC no frequency).